The following is an entry in ClinVar:

ClinVar aggregate classification (germline): Uncertain significance (1 of 4 stars; one submission).

Conditions:
Cardiovascular phenotype. Identifiers: MedGen CN230736.

gnomAD v4.1: 1 of 1,549,808 alleles (0.000065%); highest among the groups gnomAD compares: Non-Finnish European, 0.000087%; no homozygotes.

Submission:

Ambry Genetics
Classification: Uncertain significance for Cardiovascular phenotype. Last evaluated: 2024-06-28. Review status: criteria provided, single submitter. Criteria: Ambry Variant Classification Scheme 2023. Collection method: clinical testing. Allele origin: germline.
Comment: The p.E886G variant (also known as c.2657A>G), located in coding exon 11 of the RBM20 gene, results from an A to G substitution at nucleotide position 2657. The glutamic acid at codon 886 is replaced by glycine, an amino acid with similar properties. This amino acid position is conserved. In addition, this alteration is predicted to be tolerated by in silico analysis. Based on the available evidence, the clinical significance of this variant remains unclear.

NM_001134363.3(RBM20):c.2657A>G (p.Glu886Gly)

Gene: RBM20 (RNA binding motif protein 20; plus strand). Cytogenetic location: 10q25.2.
Variant type: single nucleotide variant.
Coding change: c.2657A>G on transcript NM_001134363.3 (MANE Select); coding-DNA position 2657, A replaced by G.
Protein change: p.Glu886Gly; replaces glutamic acid 886 with glycine.
Molecular consequence: missense variant.
Genome position (GRCh38, 1-based): chr10:110,821,276, A>G. VCF-style: chr10-110821276-A-G. GRCh37 (hg19) VCF-style: chr10-112581034-A-G.
Other names: short protein forms E886G.
Identifiers: ClinVar variation 3431222 (VCV003431222.1).